The following is an entry in ClinVar:

NM_015259.6(ICOSLG):c.83T>C (p.Met28Thr)

Gene: ICOSLG (inducible T cell costimulator ligand; minus strand). Cytogenetic location: 21q22.3.
Variant type: single nucleotide variant.
Coding change: c.83T>C on transcript NM_015259.6 (MANE Select); coding-DNA position 83, T replaced by C.
Protein change: p.Met28Thr; replaces methionine 28 with threonine.
Molecular consequence: missense variant. On other transcripts: initiator codon variant (1), intron variant (2).
Genome position (GRCh38, 1-based): chr21:44,237,190, A>G on the plus strand (T>C on the coding strand, the complement: ICOSLG is on the minus strand). VCF-style: chr21-44237190-A-G. GRCh37 (hg19) VCF-style: chr21-45657073-A-G.
Other names: c.83T>C, p.Met28Thr (NM_001283050.2, NM_001395918.1); c.2T>C, p.Met1Thr (NM_001365759.2); c.55+1258T>C (NM_001283051.2); c.-48-125T>C (NM_001283052.2); short protein forms M1T, M28T.
Identifiers: ClinVar variation 3717943 (VCV003717943.2).
Genomic context (GRCh38, chr21:44,237,190, plus strand): 5'-TTTAAATCAAAACGGCTTCCTTCAGGGCAAGCGCAGCTGAGCTCCACGTCGCTGCCTACC[A>G]TCGCTCTGACTTCCTTCTCCTGAGTATCTGCAATGGCCCAAAAGGTGCAAAATCTGTTTT-3'
Protein context (NP_056074.1, residues 18-38): ADTQEKEVRA[Met28Thr]VGSDVELSCA

ClinVar aggregate classification (germline): Uncertain significance (1 of 4 stars; one submission).

Submission:

Labcorp Genetics (formerly Invitae), Labcorp
Classification: Uncertain significance. Last evaluated: 2025-05-04. Review status: criteria provided, single submitter. Criteria: Invitae Variant Classification Sherloc (09022015). Collection method: clinical testing. Allele origin: germline.
Comment: This sequence change replaces methionine, which is neutral and non-polar, with threonine, which is neutral and polar, at codon 28 of the ICOSLG protein (p.Met28Thr). The frequency data for this variant in the population databases is considered unreliable, as metrics indicate poor data quality at this position in the gnomAD database. This variant has not been reported in the literature in individuals affected with ICOSLG-related conditions. ClinVar contains an entry for this variant (Variation ID: 3717943). An algorithm developed to predict the effect of missense changes on protein structure and function outputs the following: PolyPhen-2: "Benign". The threonine amino acid residue is found in multiple mammalian species, which suggests that this missense change does not adversely affect protein function. In summary, the available evidence is currently insufficient to determine the role of this variant in disease. Therefore, it has been classified as a Variant of Uncertain Significance.